The following is an entry in ClinVar:

NM_000069.3(CACNA1S):c.1774G>T (p.Val592Leu)

Gene: CACNA1S (calcium voltage-gated channel subunit alpha1 S; minus strand). Cytogenetic location: 1q32.1.
Variant type: single nucleotide variant.
Coding change: c.1774G>T on transcript NM_000069.3 (MANE Select); coding-DNA position 1774, G replaced by T.
Protein change: p.Val592Leu; replaces valine 592 with leucine.
Molecular consequence: missense variant.
Genome position (GRCh38, 1-based): chr1:201,076,973, C>A on the plus strand (G>T on the coding strand, the complement: CACNA1S is on the minus strand). VCF-style: chr1-201076973-C-A. GRCh37 (hg19) VCF-style: chr1-201046101-C-A.
Other names: short protein forms V592L.
Identifiers: ClinVar variation 4758339 (VCV004758339.1).

ClinVar aggregate classification (germline): Uncertain significance (1 of 4 stars; one submission).

Conditions:
Malignant hyperthermia, susceptibility to, 5 (MHS5). Also called: CACNA1S-Related Malignant Hyperthermia Susceptibility. Identifiers: Orphanet 423, MedGen C1866077, MONDO:0011163, OMIM 601887.

Submission:

Color Diagnostics, LLC DBA Color Health
Classification: Uncertain significance for Malignant hyperthermia, susceptibility to, 5. Last evaluated: 2025-08-22. Review status: criteria provided, single submitter. Criteria: ACMG Guidelines, 2015. Collection method: clinical testing. Allele origin: germline.
Comment: This missense variant replaces valine with leucine at codon 592 of the CACNA1S protein. Computational prediction suggests that this variant may not impact protein structure and function. To our knowledge, functional studies have not been reported for this variant. This variant has not been reported in individuals affected with CACNA1S-related disorders in the literature. This variant has not been identified in the general population by the Genome Aggregation Database (gnomAD). The available evidence is insufficient to determine the role of this variant in disease conclusively. Therefore, this variant is classified as a Variant of Uncertain Significance.